The following is an entry in ClinVar:

ClinVar aggregate classification (germline): Uncertain significance (1 of 4 stars; one submission).

Conditions:
Hereditary cancer-predisposing syndrome. Also called: Neoplastic Syndromes, Hereditary; Hereditary neoplastic syndrome; Tumor predisposition; Hereditary Cancer Syndrome. Identifiers: Orphanet 140162, MedGen C0027672, MeSH D009386, MONDO:0015356.

Submission:

Ambry Genetics
Classification: Uncertain significance for Hereditary cancer-predisposing syndrome. Last evaluated: 2025-09-26. Review status: criteria provided, single submitter. Criteria: Ambry Variant Classification Scheme 2023. Collection method: clinical testing. Allele origin: germline.
Comment: The p.R348K variant (also known as c.1043G>A), located in coding exon 12 of the CDC73 gene, results from a G to A substitution at nucleotide position 1043. The arginine at codon 348 is replaced by lysine, an amino acid with highly similar properties. This amino acid position is conserved. In addition, this alteration is predicted to be tolerated by in silico analysis. Since supporting evidence is limited at this time, the clinical significance of this alteration remains unclear.

NM_024529.5(CDC73):c.1043G>A (p.Arg348Lys)

Gene: CDC73 (cell division cycle 73; plus strand). Cytogenetic location: 1q31.2.
Variant type: single nucleotide variant.
Coding change: c.1043G>A on transcript NM_024529.5 (MANE Select); coding-DNA position 1043, G replaced by A.
Protein change: p.Arg348Lys; replaces arginine 348 with lysine.
Molecular consequence: missense variant.
Genome position (GRCh38, 1-based): chr1:193,212,077, G>A. VCF-style: chr1-193212077-G-A. GRCh37 (hg19) VCF-style: chr1-193181207-G-A.
Other names: short protein forms R348K.
Identifiers: ClinVar variation 2459435 (VCV002459435.3), dbSNP rs2527455721, ClinGen allele CA344077442.